The following is an entry in ClinVar:

ClinVar aggregate classification (germline): Uncertain significance (1 of 4 stars; one submission).

Conditions:
Argininosuccinate lyase deficiency. Also called: ARGININOSUCCINIC ACID LYASE DEFICIENCY; ASL DEFICIENCY; Argininosuccinic aciduria. Identifiers: Orphanet 23, MedGen C0268547, MONDO:0008815, OMIM 207900, HP:0025630.

Allele frequency attached by ClinVar (database versions not stated): gnomAD 0.00001; gnomAD exomes 0.00001 and 0.00002; TOPMed 0.00001; ExAC 0.00004.
gnomAD v4.1: 17 of 1,613,166 alleles (0.0011%); highest among the groups gnomAD compares: South Asian, 0.011%; no homozygotes.

Submission:

Labcorp Genetics (formerly Invitae), Labcorp
Classification: Uncertain significance for Argininosuccinate lyase deficiency. Last evaluated: 2022-08-09. Review status: criteria provided, single submitter. Criteria: Invitae Variant Classification Sherloc (09022015). Collection method: clinical testing. Allele origin: germline.
Comment: This sequence change replaces alanine, which is neutral and non-polar, with threonine, which is neutral and polar, at codon 404 of the ASL protein (p.Ala404Thr). This variant is present in population databases (rs757216794, gnomAD 0.01%). This variant has not been reported in the literature in individuals affected with ASL-related conditions. ClinVar contains an entry for this variant (Variation ID: 1416694). Advanced modeling of protein sequence and biophysical properties (such as structural, functional, and spatial information, amino acid conservation, physicochemical variation, residue mobility, and thermodynamic stability) performed at Invitae indicates that this missense variant is not expected to disrupt ASL protein function. In summary, the available evidence is currently insufficient to determine the role of this variant in disease. Therefore, it has been classified as a Variant of Uncertain Significance.

NM_000048.4(ASL):c.1210G>A (p.Ala404Thr)

Gene: ASL (argininosuccinate lyase; plus strand). Cytogenetic location: 7q11.21.
Variant type: single nucleotide variant.
Coding change: c.1210G>A on transcript NM_000048.4 (MANE Select); coding-DNA position 1210, G replaced by A.
Protein change: p.Ala404Thr; replaces alanine 404 with threonine.
Molecular consequence: missense variant.
Genome position (GRCh38, 1-based): chr7:66,092,623, G>A. VCF-style: chr7-66092623-G-A. GRCh37 (hg19) VCF-style: chr7-65557610-G-A.
Other names: c.1210G>A, p.Ala404Thr (NM_001024943.2); c.1150G>A, p.Ala384Thr (NM_001024944.2); c.1132G>A, p.Ala378Thr (NM_001024946.2); short protein forms A384T, A378T, A404T.
Identifiers: ClinVar variation 1416694 (VCV001416694.5), dbSNP rs757216794, ClinGen allele CA4277342.